The following is an entry in ClinVar:

NM_000059.4(BRCA2):c.38_39inv (p.Glu13Val)

Gene: BRCA2 (BRCA2 DNA repair associated; plus strand). Cytogenetic location: 13q13.1.
Variant type: Inversion.
Coding change: c.38_39inv on transcript NM_000059.4 (MANE Select).
Protein change: p.Glu13Val; replaces glutamic acid 13 with valine.
Molecular consequence: missense variant.
Genome position: GRCh38 VCF-style: chr13-32316498-AA-TT. GRCh37 (hg19) VCF-style: chr13-32890635-AA-TT.
Other names: c.38_39delinsTT (NM_000059.3, NM_000059.4); short protein forms E13V.
Identifiers: ClinVar variation 967988 (VCV000967988.10), ClinGen allele CA1139663044.

ClinVar aggregate classification (germline): Uncertain significance. Review status: criteria provided, multiple submitters, no conflicts (2 of 4 stars). 3 submissions from 3 submitters: Uncertain significance (3). Last evaluated 2024-11-18.

Conditions:
Hereditary cancer-predisposing syndrome. Also called: Tumor predisposition; Neoplastic Syndromes, Hereditary; Hereditary neoplastic syndrome; Hereditary Cancer Syndrome. Identifiers: Orphanet 140162, MedGen C0027672, MeSH D009386, MONDO:0015356.
Hereditary breast ovarian cancer syndrome. Also called: Hereditary breast and ovarian cancer; Hereditary breast and ovarian cancer syndrome (HBOC); Hereditary breast and/or ovarian cancer syndrome; Hereditary breast and ovarian cancer syndrome; Breast and ovarian cancer; BRCA1- and BRCA2-Associated Hereditary Breast and Ovarian Cancer. Identifiers: Orphanet 145, MedGen C0677776, MeSH D061325, MONDO:0003582. Disease mechanism: loss of function.

Submissions (3):

Ambry Genetics
Classification: Uncertain significance for Hereditary cancer-predisposing syndrome. Last evaluated: 2024-11-18. Review status: criteria provided, single submitter. Criteria: Ambry Variant Classification Scheme 2023. Collection method: clinical testing. Allele origin: germline.
Comment: The c.38_39delAAinsTT variant, located in coding exon 1 of the BRCA2 gene, results from an in-frame deletion of AA and insertion of TT at nucleotide positions 38 to 39. This results in the substitution of the glutamic acid residue for a valine residue at codon 13, an amino acid with dissimilar properties. This amino acid position is well conserved in available vertebrate species. In addition, this alteration is predicted to be neutral by in silico analysis (Choi Y et al. PLoS ONE. 2012; 7(10):e46688). Based on the available evidence, the clinical significance of this variant remains unclear.

Labcorp Genetics (formerly Invitae), Labcorp
Classification: Uncertain significance for Hereditary breast ovarian cancer syndrome. Last evaluated: 2024-03-12. Review status: criteria provided, single submitter. Criteria: Invitae Variant Classification Sherloc (09022015). Collection method: clinical testing. Allele origin: germline.
Comment: This sequence change replaces glutamic acid, which is acidic and polar, with valine, which is neutral and non-polar, at codon 13 of the BRCA2 protein (p.Glu13Val). Information on the frequency of this variant in the gnomAD database is not available, as this variant may be reported differently in the database. This variant has not been reported in the literature in individuals affected with BRCA2-related conditions. ClinVar contains an entry for this variant (Variation ID: 967988). An algorithm developed to predict the effect of missense changes on protein structure and function (PolyPhen-2) suggests that this variant is likely to be disruptive. In summary, the available evidence is currently insufficient to determine the role of this variant in disease. Therefore, it has been classified as a Variant of Uncertain Significance.

Color Diagnostics, LLC DBA Color Health
Classification: Uncertain significance for Hereditary cancer-predisposing syndrome. Last evaluated: 2024-03-07. Review status: criteria provided, single submitter. Criteria: ACMG Guidelines, 2015. Collection method: clinical testing. Allele origin: germline.
Comment: This missense variant replaces glutamic acid with valine at codon 13 of the BRCA2 protein. Computational prediction is inconclusive regarding the impact of this variant on protein structure and function (internally defined REVEL score threshold 0.5 < inconclusive < 0.7, PMID: 27666373). To our knowledge, functional studies have not been reported for this variant. This variant has not been reported in individuals affected with hereditary cancer in the literature. This variant has not been identified in the general population by the Genome Aggregation Database (gnomAD). The available evidence is insufficient to determine the role of this variant in disease conclusively. Therefore, this variant is classified as a Variant of Uncertain Significance.